The following is an entry in ClinVar:

ClinVar aggregate classification (germline): Benign. Review status: criteria provided, multiple submitters, no conflicts (2 of 4 stars). 3 submissions from 2 submitters: Benign (3). Last evaluated 2018-01-12.

Conditions:
Tietz syndrome (TADS). Also called: ALBINISM-DEAFNESS OF TIETZ; HYPOPIGMENTATION/DEAFNESS OF TIETZ; TIETZ ALBINISM-DEAFNESS SYNDROME. Identifiers: Orphanet 42665, MedGen C0391816, MONDO:0007077, OMIM 103500.
Waardenburg syndrome type 2A (WS2A). Also called: WAARDENBURG SYNDROME WITHOUT DYSTOPIA CANTHORUM. Identifiers: Orphanet 3440, MedGen C1860339, MONDO:0008671, OMIM 193510.

Allele frequency attached by ClinVar (database versions not stated): gnomAD exomes 0.30303; gnomAD 0.33688; 1000 Genomes Project 0.34105; 1000 Genomes Project 30x 0.34135; TOPMed 0.34152.
gnomAD v4.1: 74,760 of 232,062 alleles (32%); highest among the groups gnomAD compares: African/African-American, 45%; 12,639 homozygotes.

Submissions (3):

Illumina Laboratory Services, Illumina
Classification: Benign for Waardenburg syndrome type 2A. Last evaluated: 2018-01-12. Review status: criteria provided, single submitter. Criteria: ICSL Variant Classification Criteria 13 December 2019. Collection method: clinical testing. Allele origin: germline.
Comment: This variant was observed in the ICSL laboratory as part of a predisposition screen in an ostensibly healthy population. It had not been previously curated by ICSL or reported in the Human Gene Mutation Database (HGMD: prior to June 1st, 2018), and was therefore a candidate for classification through an automated scoring system. Utilizing variant allele frequency, disease prevalence and penetrance estimates, and inheritance mode, an automated score was calculated to assess if this variant is too frequent to cause the disease. Based on the score and internal cut-off values, a variant classified as benign is not then subjected to further curation. The score for this variant resulted in a classification of benign for this disease.

Illumina Laboratory Services, Illumina
Classification: Benign for Tietz syndrome. Last evaluated: 2018-01-12. Review status: criteria provided, single submitter. Criteria: ICSL Variant Classification Criteria 13 December 2019. Collection method: clinical testing. Allele origin: germline.
Comment: the same text as in the submission from Illumina Laboratory Services, Illumina above.

Breakthrough Genomics
Classification: Benign. Review status: criteria provided, single submitter. Criteria: ACMG Guidelines, 2015. Collection method: not provided. Allele origin: germline. Inheritance: Autosomal recessive inheritance. Affected: yes.

NM_001354604.2(MITF):c.*2068C>T

Gene: MITF (melanocyte inducing transcription factor; plus strand). Cytogenetic location: 3p13.
Variant type: single nucleotide variant.
Coding change: c.*2068C>T on transcript NM_001354604.2 (MANE Select); 2068 bases downstream of the stop codon, C replaced by T.
Molecular consequence: 3 prime UTR variant.
Genome position (GRCh38, 1-based): chr3:69,967,316, C>T. VCF-style: chr3-69967316-C-T. GRCh37 (hg19) VCF-style: chr3-70016467-C-T.
Other names: c.*2068C>T (NM_000248.4, NM_001184967.2, NM_001354605.2 and 8 more transcripts).
Identifiers: ClinVar variation 346531 (VCV000346531.6), dbSNP rs576, ClinGen allele CA10616590.